The following is an entry in ClinVar:

ClinVar aggregate classification (germline): Uncertain significance (1 of 4 stars; one submission).

Allele frequency attached by ClinVar (database versions not stated): gnomAD exomes below 0.00001.

Submission:

Labcorp Genetics (formerly Invitae), Labcorp
Classification: Uncertain significance. Last evaluated: 2024-11-04. Review status: criteria provided, single submitter. Criteria: Invitae Variant Classification Sherloc (09022015). Collection method: clinical testing. Allele origin: germline.
Comment: This sequence change replaces alanine, which is neutral and non-polar, with serine, which is neutral and polar, at codon 54 of the MOCS3 protein (p.Ala54Ser). This variant is not present in population databases (gnomAD no frequency). This variant has not been reported in the literature in individuals affected with MOCS3-related conditions. ClinVar contains an entry for this variant (Variation ID: 1717641). An algorithm developed to predict the effect of missense changes on protein structure and function outputs the following: PolyPhen-2: "Benign". The serine amino acid residue is found in multiple mammalian species, which suggests that this missense change does not adversely affect protein function. In summary, the available evidence is currently insufficient to determine the role of this variant in disease. Therefore, it has been classified as a Variant of Uncertain Significance.

NM_014484.5(MOCS3):c.160G>T (p.Ala54Ser)

Gene: MOCS3 (molybdenum cofactor synthesis 3; plus strand). Cytogenetic location: 20q13.13.
Variant type: single nucleotide variant.
Coding change: c.160G>T on transcript NM_014484.5 (MANE Select); coding-DNA position 160, G replaced by T.
Protein change: p.Ala54Ser; replaces alanine 54 with serine.
Molecular consequence: missense variant.
Genome position (GRCh38, 1-based): chr20:50,959,002, G>T. VCF-style: chr20-50959002-G-T. GRCh37 (hg19) VCF-style: chr20-49575539-G-T.
Other names: short protein forms A54S.
Identifiers: ClinVar variation 1717641 (VCV001717641.5), dbSNP rs754145202, ClinGen allele CA408981993.